The following is an entry in ClinVar:

NM_000059.4(BRCA2):c.2633A>C (p.Asp878Ala)

Gene: BRCA2 (BRCA2 DNA repair associated; plus strand). Cytogenetic location: 13q13.1.
Variant type: single nucleotide variant.
Coding change: c.2633A>C on transcript NM_000059.4 (MANE Select); coding-DNA position 2633, A replaced by C.
Protein change: p.Asp878Ala; replaces aspartic acid 878 with alanine.
Molecular consequence: missense variant.
Genome position (GRCh38, 1-based): chr13:32,336,988, A>C. VCF-style: chr13-32336988-A-C. GRCh37 (hg19) VCF-style: chr13-32911125-A-C.
Other names: c.2633A>C, p.Asp878Ala (NM_001406719.1, NM_001406720.1); short protein forms D878A.
Identifiers: ClinVar variation 1794082 (VCV001794082.4), dbSNP rs765618026, ClinGen allele CA387773234.

ClinVar aggregate classification (germline): Conflicting classifications of pathogenicity. Review status: criteria provided, conflicting classifications (1 of 4 stars). 2 submissions from 2 submitters: Uncertain significance (1); Likely benign (1). Last evaluated 2023-03-23.

Conditions:
Hereditary cancer-predisposing syndrome. Also called: Tumor predisposition; Hereditary Cancer Syndrome; Neoplastic Syndromes, Hereditary; Hereditary neoplastic syndrome. Identifiers: Orphanet 140162, MedGen C0027672, MeSH D009386, MONDO:0015356.

Submissions (2):

University of Washington Department of Laboratory Medicine, University of Washington
Classification: Likely benign for Hereditary cancer-predisposing syndrome. Last evaluated: 2023-03-23. Review status: criteria provided, single submitter. Criteria: Dines et al. (Genet Med. 2020). Collection method: curation. Allele origin: germline.
Comment: Missense variant in a coldspot region where missense variants are very unlikely to be pathogenic (PMID:31911673).

BRCA2 exon 11 coldspot. Reclassification based on statistical prior probability.

Ambry Genetics
Classification: Uncertain significance for Hereditary cancer-predisposing syndrome. Last evaluated: 2022-03-12. Review status: criteria provided, single submitter. Criteria: Ambry Variant Classification Scheme 2023. Collection method: clinical testing. Allele origin: germline.
Comment: The p.D878A variant (also known as c.2633A>C), located in coding exon 10 of the BRCA2 gene, results from an A to C substitution at nucleotide position 2633. The aspartic acid at codon 878 is replaced by alanine, an amino acid with dissimilar properties. This amino acid position is conserved. In addition, this alteration is predicted to be tolerated by in silico analysis. Since supporting evidence is limited at this time, the clinical significance of this alteration remains unclear.